The following is an entry in ClinVar:

NM_007294.4(BRCA1):c.4094del (p.Asn1364_Leu1365insTer)

Genes: BRCA1 (BRCA1 DNA repair associated; minus strand), LOC126862571 (BRD4-independent group 4 enhancer GRCh37_chr17:41243136-41244335; plus strand). Cytogenetic location: 17q21.31.
Variant type: Deletion.
Coding change: c.4094del on transcript NM_007294.4 (MANE Select); coding-DNA position 4094, one base deleted (T; older notation c.4094delT).
Protein change: p.Asn1364_Leu1365insTer.
Molecular consequence: nonsense. On other transcripts: intron variant (135), frameshift variant (1).
Genome position (GRCh38, 1-based): chr17:43,091,437, A deleted on the plus strand (T on the coding strand, the reverse complement: BRCA1 is on the minus strand); the first of 2 consecutive A bases (chr17:43,091,437-43,091,438); deleting either gives the same sequence. VCF-style (leftmost placement, unchanged base first): chr17-43091436-TA-T. GRCh37 (hg19) VCF-style: chr17-41243453-TA-T.
Other names: c.3950del, p.Asn1316_Leu1317insTer (NM_001407838.1, NM_001407839.1, NM_001407841.1 and 20 more transcripts); c.3953del, p.Asn1317_Leu1318insTer (NM_001407850.1, NM_001407851.1, NM_001407852.1 and 29 more transcripts); c.3881del, p.Asn1293_Leu1294insTer (NM_001407853.1, NM_001407894.1, NM_001407895.1 and 9 more transcripts); c.4094del, p.Asn1364_Leu1365insTer (NM_001407854.1, NM_001407858.1, NM_001407859.1 and 30 more transcripts); c.4091del, p.Asn1363_Leu1364insTer (NM_001407860.1, NM_001407861.1, NM_001407587.1 and 22 more transcripts); c.3893del, p.Asn1297_Leu1298insTer (NM_001407862.1); c.3971del, p.Asn1323_Leu1324insTer (NM_001407863.1, NM_001407919.1, NM_001407937.1 and 19 more transcripts); c.3890del, p.Asn1296_Leu1297insTer (NM_001407874.1, NM_001407875.1); and 42 more.
Identifiers: ClinVar variation 55102 (VCV000055102.3), dbSNP rs397509138, ClinGen allele CA002615.

ClinVar aggregate classification (germline): Pathogenic. Review status: reviewed by expert panel (3 of 4 stars). 2 submissions from 2 submitters: Pathogenic (1). 1 of the submissions does not count toward it. Last evaluated 2017-12-15.

Conditions:
Breast-ovarian cancer, familial, susceptibility to, 1 (BROVCA1). Also called: BRCA1 Hereditary Breast and Ovarian Cancer; OVARIAN CANCER, SUSCEPTIBILITY TO. Identifiers: Orphanet 145, MedGen C2676676, MONDO:0011450, OMIM 604370. Disease mechanism: loss of function.
Familial cancer of breast. Also called: hereditary breast carcinoma; BREAST CANCER, FAMILIAL; Hereditary breast cancer. Identifiers: Orphanet 227535, MedGen C0346153, MONDO:0016419, OMIM 114480. Disease mechanism: loss of function.

Submissions (2):

Evidence-based Network for the Interpretation of Germline Mutant Alleles (ENIGMA)
Classification: Pathogenic for Breast-ovarian cancer, familial, susceptibility to, 1. Last evaluated: 2017-12-15. Review status: reviewed by expert panel. Criteria: ENIGMA BRCA1/2 Classification Criteria (2017-06-29). Collection method: curation. Allele origin: germline. Study: ENIGMA.
Comment: Variant allele predicted to encode a truncated non-functional protein.

ClinVar Staff, National Center for Biotechnology Information (NCBI)
No classification provided. Condition: Familial cancer of breast. Review status: no classification provided. Collection method: literature only. Allele origin: germline. Affected: yes. Not counted in ClinVar's aggregate classification.

Literature cited by the submitters: PubMed 19805903 (cited by ClinVar Staff, National Center for Biotechnology Information (NCBI)).